The following is an entry in ClinVar:

NM_001286.5(CLCN6):c.2379G>A (p.Thr793=)

Gene: CLCN6 (Cl-/H+ antiporter 6; plus strand). Cytogenetic location: 1p36.22.
Variant type: single nucleotide variant.
Coding change: c.2379G>A on transcript NM_001286.5 (MANE Select); coding-DNA position 2379, G replaced by A.
Protein change: p.Thr793=; no amino-acid change (threonine 793 retained).
Molecular consequence: synonymous variant. On other transcripts: non-coding transcript variant (1).
Genome position (GRCh38, 1-based): chr1:11,838,418, G>A. VCF-style: chr1-11838418-G-A. GRCh37 (hg19) VCF-style: chr1-11898475-G-A.
Other names: c.2313G>A, p.Thr771= (NM_001256959.2).
Identifiers: ClinVar variation 3017576 (VCV003017576.4), dbSNP rs1314949934, ClinGen allele CA416104560.
Genomic context (GRCh38, chr1:11,838,418, plus strand): 5'-CTATGCCGAGATGGCCGAGGACTACCCGCGGTACCCCGACATCCACGACCTGGACCTGAC[G>A]CTGCTCAACCCGCGCATGATCGTGGTGAGAAGGGCTGCCCCGGCCTGTCCCATGCGGAGC-3'
Protein context (NP_001277.2, residues 783-803): RYPDIHDLDL[Thr793=]LLNPRMIVDV

ClinVar aggregate classification (germline): Likely benign. Review status: criteria provided, multiple submitters, no conflicts (2 of 4 stars). 2 submissions from 2 submitters: Likely benign (2). Last evaluated 2025-05-13.

Allele frequency attached by ClinVar (database versions not stated): gnomAD exomes below 0.00001; TOPMed below 0.00001.
gnomAD v4.1: 5 of 1,614,104 alleles (0.00031%); highest among the groups gnomAD compares: Middle Eastern, 0.033%; no homozygotes.

Submissions (2):

Labcorp Genetics (formerly Invitae), Labcorp
Classification: Likely benign. Last evaluated: 2025-05-13. Review status: criteria provided, single submitter. Criteria: Invitae Variant Classification Sherloc (09022015). Collection method: clinical testing. Allele origin: germline.

Women's Health and Genetics/Laboratory Corporation of America, LabCorp
Classification: Likely benign. Last evaluated: 2024-04-12. Review status: criteria provided, single submitter. Criteria: LabCorp Variant Classification Summary - May 2015. Collection method: clinical testing. Allele origin: germline.
Comment: Variant summary: CLCN6 c.2379G>A results in a synonymous change. Consensus agreement among computation tools predict no significant impact on normal splicing. However, these predictions have yet to be confirmed by functional studies. The variant allele was found at a frequency of 3.4e-06 in 1461780 control chromosomes (gnomAD v4.0.0). The available data on variant occurrences in the general population are insufficient to allow any conclusion about variant significance. To our knowledge, no occurrence of c.2379G>A in individuals affected with Neurodegeneration, Childhood-Onset, With Hypotonia, Respiratory Insufficiency, And Brain Imaging Abnormalities and no experimental evidence demonstrating its impact on protein function have been reported. ClinVar contains an entry for this variant (Variation ID: 3017576). Based on the evidence outlined above, the variant was classified as likely benign.